The following is an entry in ClinVar:

NM_007294.4:c.(80+1_81-1)_(134+1_135-1)del

Gene: BRCA1 (BRCA1 DNA repair associated; minus strand).
Variant type: Deletion.
Other names: c.(80+1_81-1)_(134+1_135-1)del (NM_007294.4).
Identifiers: ClinVar variation 3236916 (VCV003236916.1).

ClinVar aggregate classification (germline): Pathogenic (1 of 4 stars; one submission).

Conditions:
Breast-ovarian cancer, familial, susceptibility to, 1 (BROVCA1). Also called: BRCA1 Hereditary Breast and Ovarian Cancer; OVARIAN CANCER, SUSCEPTIBILITY TO. Identifiers: Orphanet 145, MedGen C2676676, MONDO:0011450, OMIM 604370. Disease mechanism: loss of function.

Submission:

Department of Clinical Genetics, Copenhagen University Hospital, Rigshospitalet
Classification: Pathogenic for Breast-ovarian cancer, familial, susceptibility to, 1. Last evaluated: 2024-05-27. Review status: criteria provided, single submitter. Criteria: ACMG Guidelines, 2015. Collection method: clinical testing. Allele origin: germline. Affected: yes.
Comment: PVS1; PM2_Supporting; PP1